The following is an entry in ClinVar:

NM_002775.5(HTRA1):c.909C>T (p.Gly303=)

Gene: HTRA1 (HtrA serine peptidase 1; plus strand). Cytogenetic location: 10q26.13.
Variant type: single nucleotide variant.
Coding change: c.909C>T on transcript NM_002775.5 (MANE Select); coding-DNA position 909, C replaced by T.
Protein change: p.Gly303=; no amino-acid change (glycine 303 retained).
Molecular consequence: synonymous variant.
Genome position (GRCh38, 1-based): chr10:122,506,822, C>T. VCF-style: chr10-122506822-C-T. GRCh37 (hg19) VCF-style: chr10-124266338-C-T.
Other names: c.909C>T (NM_002775.4).
Identifiers: ClinVar variation 2728132 (VCV002728132.5), dbSNP rs369210624, ClinGen allele CA5725964.

ClinVar aggregate classification (germline): Likely benign. Review status: criteria provided, single submitter (1 of 4 stars). 2 submissions from 2 submitters: Likely benign (1). 1 of the submissions does not count toward it. Last evaluated 2023-02-03.

Conditions:
HTRA1-related disorder. Also called: HTRA1-related condition.

Allele frequency attached by ClinVar (database versions not stated): ExAC 0.00003; gnomAD exomes 0.00003; TOPMed 0.00006; ESP Exome Variant Server 0.00008; gnomAD 0.00008.
gnomAD v4.1: 59 of 1,613,716 alleles (0.0037%); highest among the groups gnomAD compares: African/African-American, 0.015%; no homozygotes.

Submissions (2):

Labcorp Genetics (formerly Invitae), Labcorp
Classification: Likely benign. Last evaluated: 2023-02-03. Review status: criteria provided, single submitter. Criteria: Invitae Variant Classification Sherloc (09022015). Collection method: clinical testing. Allele origin: germline.

PreventionGenetics, part of Exact Sciences
Classification: Likely benign for HTRA1-related condition. Last evaluated: 2020-02-06. Review status: no assertion criteria provided. Collection method: clinical testing. Allele origin: germline. Not counted in ClinVar's aggregate classification.
Comment: This variant is classified as likely benign based on ACMG/AMP sequence variant interpretation guidelines (Richards et al. 2015 PMID: 25741868, with internal and published modifications).